The following is an entry in ClinVar:

NM_001034116.2(EIF2B4):c.1133A>G (p.His378Arg)

Genes: EIF2B4 (eukaryotic translation initiation factor 2B subunit delta; minus strand), GTF3C2-AS2 (GTF3C2 antisense RNA 2; plus strand). Cytogenetic location: 2p23.3.
Variant type: single nucleotide variant.
Coding change: c.1133A>G on transcript NM_001034116.2 (MANE Select); coding-DNA position 1133, A replaced by G.
Protein change: p.His378Arg; replaces histidine 378 with arginine.
Molecular consequence: missense variant.
Genome position (GRCh38, 1-based): chr2:27,366,817, T>C on the plus strand (A>G on the coding strand, the complement: EIF2B4 is on the minus strand). VCF-style: chr2-27366817-T-C. GRCh37 (hg19) VCF-style: chr2-27589684-T-C.
Other names: c.1193A>G, p.His398Arg (NM_172195.4); c.1040A>G, p.His347Arg (NM_001318967.2); c.548A>G, p.His183Arg (NM_001318968.2); c.515A>G, p.His172Arg (NM_001318969.2); c.1130A>G, p.His377Arg (NM_015636.4); c.1196A>G, p.His399Arg (NM_001318965.2); c.1088A>G, p.His363Arg (NM_001318966.2); short protein forms H172R, H183R, H347R, H363R, H377R, H378R, H398R, H399R.
Identifiers: ClinVar variation 4281187 (VCV004281187.7).

ClinVar aggregate classification (germline): Uncertain significance (1 of 4 stars; one submission).

Submission:

CeGaT Center for Human Genetics Tuebingen
Classification: Uncertain significance. Last evaluated: 2025-09-01. Review status: criteria provided, single submitter. Criteria: CeGaT Center For Human Genetics Tuebingen Variant Classification Criteria Version 2. Collection method: clinical testing. Allele origin: germline. Affected: yes. Observed: 1 variant allele.
Comment: EIF2B4: PM2, BP4